The following is an entry in ClinVar:

NM_000396.4(CTSK):c.83dup (p.Trp29fs)

Gene: CTSK (cathepsin K; minus strand). Cytogenetic location: 1q21.3.
Variant type: Duplication.
Coding change: c.83dup on transcript NM_000396.4 (MANE Select); coding-DNA position 83, one base duplicated (T; older notation c.83dupT).
Protein change: p.Trp29fs; shifts the reading frame from tryptophan 29.
Molecular consequence: frameshift variant.
Genome position (GRCh38, 1-based): chr1:150,806,723, A duplicated on the plus strand (T on the coding strand, the reverse complement: CTSK is on the minus strand). VCF-style (leftmost placement, unchanged base first): chr1-150806722-T-TA. GRCh37 (hg19) VCF-style: chr1-150779198-T-TA.
Other names: c.83dup (NM_000396.3); short protein forms W29fs.
Identifiers: ClinVar variation 1685684 (VCV001685684.6), dbSNP rs2101954034, ClinGen allele CA913071471.

ClinVar aggregate classification (germline): Pathogenic. Review status: criteria provided, multiple submitters, no conflicts (2 of 4 stars). 4 submissions from 4 submitters: Pathogenic (4). Last evaluated 2026-02-02.

Conditions:
Pyknodysostosis. Also called: Pycnodysostosis. Identifiers: Orphanet 763, MedGen C0238402, MONDO:0009940, OMIM 265800.

Allele frequency attached by ClinVar (database versions not stated): gnomAD exomes below 0.00001.

Submissions (4):

Dasa
Classification: Pathogenic. Last evaluated: 2026-02-02. Review status: criteria provided, single submitter. Criteria: DASA Assertion Criteria. Collection method: clinical testing. Allele origin: germline.
Comment: NM_000396.4(CTSK):c.83dup (p.Trp29Metfs*10) introduces a premature termination codon predicted to result in loss of normal protein function. Loss-of-function is an established mechanism of disease for this gene. This variant has been reported in an affected individual with related phenotype in a genotype context consistent with recessive disease (PMID: 27558267). The variant is present at low frequency in population datasets. Based on the available data, this variant is classified as pathogenic.

Labcorp Genetics (formerly Invitae), Labcorp
Classification: Pathogenic. Last evaluated: 2025-04-28. Review status: criteria provided, single submitter. Criteria: Invitae Variant Classification Sherloc (09022015). Collection method: clinical testing. Allele origin: germline.
Comment: This sequence change creates a premature translational stop signal (p.Trp29Metfs*10) in the CTSK gene. It is expected to result in an absent or disrupted protein product. Loss-of-function variants in CTSK are known to be pathogenic (PMID: 12125807, 21569238). This variant is not present in population databases (gnomAD no frequency). This premature translational stop signal has been observed in individual(s) with pycnodysostosis (PMID: 27558267). ClinVar contains an entry for this variant (Variation ID: 1685684). For these reasons, this variant has been classified as Pathogenic.

Natera, Inc.
Classification: Pathogenic for Pyknodysostosis. Last evaluated: 2025-03-11. Review status: criteria provided, single submitter. Criteria: Natera Variant Classification Schema (03/2026). Collection method: clinical testing. Allele origin: germline.
Comment: The c.83dup variant in CTSK is a frameshift variant predicted to shift the reading frame beginning at codon 29 and leads to a stop codon 10 codons downstream. This variant is expected to result in nonsense mediated decay, truncation, or a dysfunctional protein product. This variant is rare in the general population with a frequency below the threshold expected for the associated phenotype(s). This variant has been observed in one or more individuals affected with the associated recessive disease, as either homozygous or compound heterozygous with a second variant (PMID: 27558267). Given the available evidence, this variant is classified as Pathogenic.

Mendelics
Classification: Pathogenic for Pyknodysostosis. Last evaluated: 2022-05-04. Review status: criteria provided, single submitter. Criteria: Mendelics Assertion Criteria 2019. Collection method: clinical testing. Allele origin: germline.

Literature cited by the submitters: PubMed 27558267 (cited by 3 submitters); PubMed 12125807 (cited by Labcorp Genetics (formerly Invitae), Labcorp); PubMed 21569238 (cited by Labcorp Genetics (formerly Invitae), Labcorp).